The following is an entry in ClinVar:

NM_001374736.1(DST):c.20709G>A (p.Leu6903=)

Gene: DST (dystonin; minus strand). Cytogenetic location: 6p12.1.
Variant type: single nucleotide variant.
Coding change: c.20709G>A on transcript NM_001374736.1 (MANE Select); coding-DNA position 20709, G replaced by A.
Protein change: p.Leu6903=; no amino-acid change (leucine 6903 retained).
Molecular consequence: synonymous variant.
Genome position (GRCh38, 1-based): chr6:56,492,275, C>T on the plus strand (G>A on the coding strand, the complement: DST is on the minus strand). VCF-style: chr6-56492275-C-T. GRCh37 (hg19) VCF-style: chr6-56357073-C-T.
Other names: c.14352G>A, p.Leu4784= (NM_001144769.5); c.13938G>A, p.Leu4646= (NM_001144770.2); c.20709G>A, p.Leu6903= (NM_001374722.1); c.19749G>A, p.Leu6583= (NM_001374729.1); c.13491G>A, p.Leu4497= (NM_001374730.1); c.20736G>A, p.Leu6912= (NM_001374734.1); c.13818G>A, p.Leu4606= (NM_001386100.1, NM_183380.4); c.12840G>A, p.Leu4280= (NM_015548.5).
Identifiers: ClinVar variation 1010594 (VCV001010594.9), dbSNP rs764552655, ClinGen allele CA3866692.

ClinVar aggregate classification (germline): Uncertain significance (1 of 4 stars; one submission).

Conditions:
Epidermolysis bullosa simplex 3, localized or generalized intermediate, with BP230 deficiency (EBS3). Also called: Epidermolysis bullosa simplex due to BP230 deficiency; Epidermolysis bullosa simplex, autosomal recessive 2. Identifiers: Orphanet 412181, MedGen C3809470, MONDO:0014180, OMIM 615425.
Hereditary sensory and autonomic neuropathy type 6. Also called: HSAN VI; Neuropathy, hereditary sensory and autonomic, type VI. Identifiers: Orphanet 314381, MedGen C3539003, MONDO:0013839, OMIM 614653.

Allele frequency attached by ClinVar (database versions not stated): gnomAD exomes 0.00002 and 0.00004; TOPMed 0.00002; ExAC 0.00003.
gnomAD v4.1: 11 of 1,613,888 alleles (0.00068%); highest among the groups gnomAD compares: Admixed American, 0.018%; 1 homozygote.

Submission:

Labcorp Genetics (formerly Invitae), Labcorp
Classification: Uncertain significance for Epidermolysis bullosa simplex 3, localized or generalized intermediate, with BP230 deficiency; Hereditary sensory and autonomic neuropathy type 6. Last evaluated: 2023-04-20. Review status: criteria provided, single submitter. Criteria: Invitae Variant Classification Sherloc (09022015). Collection method: clinical testing. Allele origin: germline.
Comment: The DST gene has multiple clinically relevant transcripts. This variant occurs in alternate transcript NM_015548.4, and corresponds to NM_001723.5:c.*123242G>A in the primary transcript. This sequence change affects codon 4280 of the DST mRNA. It is a 'silent' change, meaning that it does not change the encoded amino acid sequence of the DST protein. This variant has not been reported in the literature in individuals affected with DST-related conditions. This variant is present in population databases (rs764552655, gnomAD 0.02%). In summary, the available evidence is currently insufficient to determine the role of this variant in disease. Therefore, it has been classified as a Variant of Uncertain Significance. Experimental studies and prediction algorithms are not available or were not evaluated, and the effect of this variant on mRNA splicing is currently unknown.